The following is an entry in ClinVar:

NM_000059.4(BRCA2):c.8633-16C>G

Gene: BRCA2 (BRCA2 DNA repair associated; plus strand). Cytogenetic location: 13q13.1.
Variant type: single nucleotide variant.
Coding change: c.8633-16C>G on transcript NM_000059.4 (MANE Select); 16 bases into the intron before coding-DNA position 8633, C replaced by G.
Molecular consequence: intron variant.
Genome position (GRCh38, 1-based): chr13:32,376,654, C>G. VCF-style: chr13-32376654-C-G. GRCh37 (hg19) VCF-style: chr13-32950791-C-G.
Other names: IVS20-16C>G.
Identifiers: ClinVar variation 52642 (VCV000052642.27), dbSNP rs81002818, ClinGen allele CA025746.

ClinVar aggregate classification (germline): Benign/Likely benign. Review status: criteria provided, multiple submitters, no conflicts (2 of 4 stars). 14 submissions from 14 submitters: Benign (5); Likely benign (5). 4 of the submissions do not count toward it. Last evaluated 2026-01-28.

Conditions:
Hereditary cancer-predisposing syndrome. Also called: Neoplastic Syndromes, Hereditary; Tumor predisposition; Hereditary Cancer Syndrome; Hereditary neoplastic syndrome. Identifiers: Orphanet 140162, MedGen C0027672, MeSH D009386, MONDO:0015356.
Hereditary breast ovarian cancer syndrome. Also called: Breast and ovarian cancer; BRCA1- and BRCA2-Associated Hereditary Breast and Ovarian Cancer; Hereditary breast and ovarian cancer syndrome; Hereditary breast and/or ovarian cancer syndrome; Hereditary breast and ovarian cancer syndrome (HBOC); Hereditary breast and ovarian cancer. Identifiers: Orphanet 145, MedGen C0677776, MeSH D061325, MONDO:0003582. Disease mechanism: loss of function.
Breast-ovarian cancer, familial, susceptibility to, 2 (BROVCA2). Also called: BRCA2 Hereditary Breast and Ovarian Cancer. Identifiers: Orphanet 145, MedGen C2675520, MONDO:0012933, OMIM 612555. Disease mechanism: loss of function.
Familial cancer of breast. Also called: Hereditary breast cancer; hereditary breast carcinoma; BREAST CANCER, FAMILIAL. Identifiers: Orphanet 227535, MedGen C0346153, MONDO:0016419, OMIM 114480. Disease mechanism: loss of function.

Allele frequency attached by ClinVar (database versions not stated): ExAC 0.00020; TOPMed 0.00008; gnomAD 0.00010.
gnomAD v4.1: 155 of 1,612,954 alleles (0.0096%); highest among the groups gnomAD compares: Non-Finnish European, 0.012%; no homozygotes.

Submissions (14):

Labcorp Genetics (formerly Invitae), Labcorp
Classification: Benign for Hereditary breast ovarian cancer syndrome. Last evaluated: 2026-01-28. Review status: criteria provided, single submitter. Criteria: Invitae Variant Classification Sherloc (09022015). Collection method: clinical testing. Allele origin: germline.

Center for Genomic Medicine, Rigshospitalet, Copenhagen University Hospital
Classification: Likely benign. Last evaluated: 2025-03-04. Review status: criteria provided, single submitter. Criteria: ACMG Guidelines, 2015. Collection method: clinical testing. Allele origin: germline.

Blueprint Genetics
Classification: Likely benign. Last evaluated: 2023-03-22. Review status: criteria provided, single submitter. Criteria: ACMG Guidelines, 2015. Collection method: clinical testing. Allele origin: germline.

Mendelics
Classification: Likely benign for Breast-ovarian cancer, familial, susceptibility to, 2. Last evaluated: 2019-05-28. Review status: criteria provided, single submitter. Criteria: Mendelics Assertion Criteria 2017. Collection method: clinical testing. Allele origin: unknown.

Women's Health and Genetics/Laboratory Corporation of America, LabCorp
Classification: Likely benign. Last evaluated: 2017-12-21. Review status: criteria provided, single submitter. Criteria: LabCorp Variant Classification Summary - May 2015. Collection method: clinical testing. Allele origin: germline.
Comment: Variant summary: The BRCA2 c.8633-16C>G variant involves the alteration of a non-conserved intronic nucleotide. One in silico tool predicts a benign outcome for this variant. 5/5 splice prediction tools predict no significant impact on normal splicing, which multiple functional studies support these predictions. This variant was found in 29/276544 control chromosomes at a frequency of 0.0001049, which does not exceed the estimated maximal expected allele frequency of a pathogenic BRCA2 variant (0.0007503). The variant of interest has been reported in multiple affected individuals via publications, although with limited information (ie, lack of co-occurrence and cosegregation data). However, a reputable database cites the variant to co-occur with two different pathogenic BRCA1 variants, c.5028_5031delAACT (p.Leu1676fs) and c.2722G>T (p.Glu908X). In addition, multiple clinical diagnostic laboratories/reputable databases classified this variant as benign/likely benign. Taken together, this variant is classified as likely benign.

Baylor Genetics
Classification: Benign for Familial cancer of breast. Last evaluated: 2017-02-23. Review status: criteria provided, single submitter. Criteria: ACMG Guidelines, 2015. Collection method: clinical testing. Allele origin: germline. Inheritance: Autosomal dominant inheritance. Affected: no.

Color Diagnostics, LLC DBA Color Health
Classification: Benign for Hereditary cancer-predisposing syndrome. Last evaluated: 2015-12-14. Review status: criteria provided, single submitter. Criteria: ACMG Guidelines, 2015. Collection method: clinical testing. Allele origin: germline.

Ambry Genetics
Classification: Benign for Hereditary cancer-predisposing syndrome. Last evaluated: 2014-11-19. Review status: criteria provided, single submitter. Criteria: Ambry Variant Classification Scheme 2023. Collection method: clinical testing. Allele origin: germline.

GeneDx
Classification: Benign. Last evaluated: 2014-04-14. Review status: criteria provided, single submitter. Criteria: GeneDx Variant Classification (06012015). Collection method: clinical testing. Allele origin: germline. Affected: yes.
Comment: This variant is considered likely benign or benign based on one or more of the following criteria: it is a conservative change, it occurs at a poorly conserved position in the protein, it is predicted to be benign by multiple in silico algorithms, and/or has population frequency not consistent with disease.

Breakthrough Genomics
Classification: Likely benign. Review status: criteria provided, single submitter. Criteria: ACMG Guidelines, 2015. Collection method: not provided. Allele origin: germline. Inheritance: Autosomal recessive inheritance. Affected: yes.

BRCAlab, Lund University
Classification: Likely benign for Breast-ovarian cancer, familial, susceptibility to, 2. Last evaluated: 2020-03-02. Review status: no assertion criteria provided. Collection method: clinical testing. Allele origin: germline. Affected: yes. Not counted in ClinVar's aggregate classification.

Counsyl
Classification: Likely benign for Breast-ovarian cancer, familial 2. Last evaluated: 2014-12-13. Review status: no assertion criteria provided. Collection method: literature only. Allele origin: unknown. Inheritance: Autosomal dominant inheritance. Not counted in ClinVar's aggregate classification.

Sharing Clinical Reports Project (SCRP)
Classification: Benign for Breast-ovarian cancer, familial 2. Last evaluated: 2011-02-24. Review status: no assertion criteria provided. Collection method: clinical testing. Allele origin: germline. Not counted in ClinVar's aggregate classification.

Breast Cancer Information Core (BIC) (BRCA2)
Classification: Uncertain significance for Breast-ovarian cancer, familial 2. Last evaluated: 2004-02-20. Review status: no assertion criteria provided. Collection method: clinical testing. Allele origin: germline. Affected: yes. Observed: 7 variant alleles. Not counted in ClinVar's aggregate classification.

Literature cited by the submitters: PubMed 15983021 (cited by Women's Health and Genetics/Laboratory Corporation of America, LabCorp and Counsyl); PubMed 22476429 (cited by Women's Health and Genetics/Laboratory Corporation of America, LabCorp and Counsyl); PubMed 21990134 (cited by Women's Health and Genetics/Laboratory Corporation of America, LabCorp); PubMed 22505045 (cited by Women's Health and Genetics/Laboratory Corporation of America, LabCorp and Counsyl); PubMed 17924331 (cited by Women's Health and Genetics/Laboratory Corporation of America, LabCorp and Counsyl); PubMed 12097257 (cited by Women's Health and Genetics/Laboratory Corporation of America, LabCorp); PubMed 12491499 (cited by Women's Health and Genetics/Laboratory Corporation of America, LabCorp); PubMed 19471317 (cited by Women's Health and Genetics/Laboratory Corporation of America, LabCorp); PubMed 21523855 (cited by Women's Health and Genetics/Laboratory Corporation of America, LabCorp); PubMed 20104584 (cited by Women's Health and Genetics/Laboratory Corporation of America, LabCorp and Counsyl).